The following is an entry in ClinVar:

NM_000051.4(ATM):c.3863C>T (p.Pro1288Leu)

Gene: ATM (ATM serine/threonine kinase; plus strand). Cytogenetic location: 11q22.3.
Variant type: single nucleotide variant.
Coding change: c.3863C>T on transcript NM_000051.4 (MANE Select); coding-DNA position 3863, C replaced by T.
Protein change: p.Pro1288Leu; replaces proline 1288 with leucine.
Molecular consequence: missense variant.
Genome position (GRCh38, 1-based): chr11:108,284,343, C>T. VCF-style: chr11-108284343-C-T. GRCh37 (hg19) VCF-style: chr11-108155070-C-T.
Other names: c.3863C>T, p.Pro1288Leu (NM_001351834.2); short protein forms P1288L.
Identifiers: ClinVar variation 1382277 (VCV001382277.8), dbSNP rs2135707043, ClinGen allele CA382525285.

ClinVar aggregate classification (germline): Uncertain significance (1 of 4 stars; one submission).

Conditions:
Ataxia-telangiectasia syndrome (AT). Also called: Cerebello-oculocutaneous telangiectasia; Immunodeficiency with ataxia telangiectasia; LOUIS-BAR SYNDROME; ATAXIA-TELANGIECTASIA, COMPLEMENTATION GROUP A; ATAXIA-TELANGIECTASIA, FRESNO VARIANT; Ataxia-telangiectasia, complementation group D. Identifiers: Orphanet 100, MedGen C0004135, MONDO:0008840, OMIM 208900.

Submission:

Labcorp Genetics (formerly Invitae), Labcorp
Classification: Uncertain significance for Ataxia-telangiectasia syndrome. Last evaluated: 2021-03-26. Review status: criteria provided, single submitter. Criteria: Invitae Variant Classification Sherloc (09022015). Collection method: clinical testing. Allele origin: germline.
Comment: In summary, the available evidence is currently insufficient to determine the role of this variant in disease. Therefore, it has been classified as a Variant of Uncertain Significance. Advanced modeling of protein sequence and biophysical properties (such as structural, functional, and spatial information, amino acid conservation, physicochemical variation, residue mobility, and thermodynamic stability) performed at Invitae indicates that this missense variant is not expected to disrupt ATM protein function. This sequence change replaces proline with leucine at codon 1288 of the ATM protein (p.Pro1288Leu). The proline residue is highly conserved and there is a moderate physicochemical difference between proline and leucine. This variant is not present in population databases (ExAC no frequency). This variant has not been reported in the literature in individuals with ATM-related conditions.